The following is an entry in ClinVar:

ClinVar aggregate classification (germline): Likely benign (0 of 4 stars; one submission).

Conditions:
XIST-related disorder. Also called: XIST-related condition.

Allele frequency attached by ClinVar (database versions not stated): gnomAD exomes 0.00053; ExAC 0.00100; gnomAD 0.00371; TOPMed 0.00425; 1000 Genomes Project 0.00583; 1000 Genomes Project 30x 0.00583.
gnomAD v4.1: 625 of 509,228 alleles (0.12%); highest among the groups gnomAD compares: African/African-American, 1.3%; 4 homozygotes.

Submission:

PreventionGenetics, part of Exact Sciences
Classification: Likely benign for XIST-related condition. Last evaluated: 2019-03-20. Review status: no assertion criteria provided. Collection method: clinical testing. Allele origin: germline.
Comment: This variant is classified as likely benign based on ACMG/AMP sequence variant interpretation guidelines (Richards et al. 2015 PMID: 25741868, with internal and published modifications).

NR_001564.3(XIST):n.10532T>C

Gene: XIST (X inactive specific transcript; minus strand). Cytogenetic location: Xq13.2.
Variant type: single nucleotide variant.
Genome position: GRCh38 VCF-style: chrX-73842183-A-G. GRCh37 (hg19) VCF-style: chrX-73062018-A-G.
Identifiers: ClinVar variation 3040534 (VCV003040534.2), dbSNP rs148754513, ClinGen allele CA10452644.
Genomic context (GRCh38, chrX:73,842,183, plus strand): 5'-AATGACCAGGTTATCGAGTCCACCCTACAATCCAGATGTCTTTCTTAAAAAAATTTTTTT[A>G]ATAATAATAAGCAATTTTTCTGGCTGTATCCTGGCATTTGGCACTTTACAATAACAATAT-3'